The following is an entry in ClinVar:

ClinVar aggregate classification (germline): Benign. Review status: criteria provided, multiple submitters, no conflicts (2 of 4 stars). 3 submissions from 3 submitters: Benign (2). 1 of the submissions does not count toward it. Last evaluated 2021-11-07.

Conditions:
QRICH2-related disorder. Also called: QRICH2-related condition.
Spermatogenic failure 35. Identifiers: MedGen C5193038, MONDO:0032686, OMIM 618341.

Allele frequency attached by ClinVar (database versions not stated): ESP Exome Variant Server 0.09419; gnomAD exomes 0.09532 and 0.12304; gnomAD 0.09757 and 0.10391; TOPMed 0.10431; ExAC 0.12850; 1000 Genomes Project 30x 0.14991; 1000 Genomes Project 0.15036.
gnomAD v4.1: 155,827 of 1,613,630 alleles (9.7%); highest among the groups gnomAD compares: South Asian, 25%; 9,728 homozygotes.

Submissions (4):

Genome-Nilou Lab
Classification: Benign for Spermatogenic failure 35. Last evaluated: 2021-11-07. Review status: criteria provided, single submitter. Criteria: ACMG Guidelines, 2015. Collection method: clinical testing. Allele origin: germline. Affected: no.

Breakthrough Genomics
Classification: Benign. Review status: criteria provided, single submitter. Criteria: ACMG Guidelines, 2015. Collection method: not provided. Allele origin: germline. Inheritance: Autosomal recessive inheritance. Affected: yes.

PreventionGenetics, part of Exact Sciences
Classification: Benign for QRICH2-related condition. Last evaluated: 2019-11-12. Review status: no assertion criteria provided. Collection method: clinical testing. Allele origin: germline. Not counted in ClinVar's aggregate classification.
Comment: This variant is classified as benign based on ACMG/AMP sequence variant interpretation guidelines (Richards et al. 2015 PMID: 25741868, with internal and published modifications).

Dr. Peter K. Rogan Lab, Western University
No classification provided (evidence only). Condition: Familial cancer of breast. Review status: no classification provided. Collection method: in vitro. Allele origin: not applicable. Functional consequence: retained intron. Not counted in ClinVar's aggregate classification.

NM_001388453.1(QRICH2):c.4878G>A (p.Thr1626=)

Gene: QRICH2 (glutamine rich 2; minus strand). Cytogenetic location: 17q25.1.
Variant type: single nucleotide variant.
Coding change: c.4878G>A on transcript NM_001388453.1 (MANE Select); coding-DNA position 4878, G replaced by A.
Protein change: p.Thr1626=; no amino-acid change (threonine 1626 retained).
Molecular consequence: synonymous variant. On other transcripts: non-coding transcript variant (1).
Genome position (GRCh38, 1-based): chr17:76,279,079, C>T on the plus strand (G>A on the coding strand, the complement: QRICH2 is on the minus strand). VCF-style: chr17-76279079-C-T. GRCh37 (hg19) VCF-style: chr17-74275160-C-T.
Other names: NC_000017.10:g.74275160C>T; c.4878G>A, p.Thr1626= (NM_032134.3).
Identifiers: ClinVar variation 1327925 (VCV001327925.6), dbSNP rs347675, ClinGen allele CA8783341.